The following is an entry in ClinVar:

ClinVar aggregate classification (germline): Uncertain significance (1 of 4 stars; one submission).

Conditions:
Arrhythmogenic right ventricular dysplasia 8 (ARVD8). Also called: Arrhythmogenic Right Ventricular Dysplasia/Cardiomyopathy 8; ARRHYTHMOGENIC RIGHT VENTRICULAR DYSPLASIA, FAMILIAL, 8; ARRHYTHMOGENIC RIGHT VENTRICULAR CARDIOMYOPATHY 8. Identifiers: MedGen C1843896, MONDO:0011831, OMIM 607450.
Arrhythmogenic cardiomyopathy with wooly hair and keratoderma. Also called: PALMOPLANTAR KERATODERMA WITH LEFT VENTRICULAR CARDIOMYOPATHY AND WOOLLY HAIR; Carvajal syndrome; Dilated cardiomyopathy with woolly hair and keratoderma; Arrhythmogenic cardiomyopathy with woolly hair and keratoderma. Identifiers: Orphanet 65282, MedGen C1854063, MONDO:0011581, OMIM 605676.

Submission:

Labcorp Genetics (formerly Invitae), Labcorp
Classification: Uncertain significance for Arrhythmogenic cardiomyopathy with wooly hair and keratoderma; Arrhythmogenic right ventricular dysplasia 8. Last evaluated: 2022-12-20. Review status: criteria provided, single submitter. Criteria: Invitae Variant Classification Sherloc (09022015). Collection method: clinical testing. Allele origin: germline.
Comment: In summary, the available evidence is currently insufficient to determine the role of this variant in disease. Therefore, it has been classified as a Variant of Uncertain Significance. Algorithms developed to predict the effect of missense changes on protein structure and function are either unavailable or do not agree on the potential impact of this missense change (SIFT: "Deleterious"; PolyPhen-2: "Benign"; Align-GVGD: "Class C0"). This variant has not been reported in the literature in individuals affected with DSP-related conditions. This variant is not present in population databases (gnomAD no frequency). This sequence change replaces aspartic acid, which is acidic and polar, with glycine, which is neutral and non-polar, at codon 1470 of the DSP protein (p.Asp1470Gly).

NM_004415.4(DSP):c.4409A>G (p.Asp1470Gly)

Gene: DSP (desmoplakin; plus strand). Cytogenetic location: 6p24.3.
Variant type: single nucleotide variant.
Coding change: c.4409A>G on transcript NM_004415.4 (MANE Select); coding-DNA position 4409, A replaced by G.
Protein change: p.Asp1470Gly; replaces aspartic acid 1470 with glycine.
Molecular consequence: missense variant. On other transcripts: intron variant (2).
Genome position (GRCh38, 1-based): chr6:7,580,599, A>G. VCF-style: chr6-7580599-A-G. GRCh37 (hg19) VCF-style: chr6-7580832-A-G.
Other names: c.4050+359A>G (NM_001319034.2); c.3582+827A>G (NM_001008844.3); short protein forms D1470G.
Identifiers: ClinVar variation 2939199 (VCV002939199.3), dbSNP rs1759399235, ClinGen allele CA362686247.